The following is an entry in ClinVar:

NC_000016.9:g.(?_2106177)_(2142622_?)del

Genes: MIR1225 (microRNA 1225; minus strand), PKD1 (polycystin 1, transient receptor potential channel interacting; minus strand), TSC2 (TSC complex subunit 2; plus strand). Cytogenetic location: 16p13.3.
Variant type: Deletion.
Identifiers: ClinVar variation 2423293 (VCV002423293.3).

ClinVar aggregate classification (germline): Pathogenic (1 of 4 stars; one submission).

Conditions:
Tuberous sclerosis 2 (TSC2). Identifiers: Orphanet 805, MedGen C1860707, MONDO:0013199, OMIM 613254.

Submission:

Labcorp Genetics (formerly Invitae), Labcorp
Classification: Pathogenic for Tuberous sclerosis 2. Last evaluated: 2021-12-08. Review status: criteria provided, single submitter. Criteria: Invitae Variant Classification Sherloc (09022015). Collection method: clinical testing. Allele origin: germline.
Comment: This variant is a gross deletion of the genomic region encompassing exon(s) 7-42 of the TSC2 gene, which includes the termination codon. This deletion extends beyond the assayed region for this gene and therefore may encompass additional genes. While this deletion is not anticipated to lead to nonsense mediated decay, it is expected to alter mRNA translation or result in a truncated protein product. This variant has not been reported in the literature in individuals affected with TSC2-related conditions. This variant disrupts a region of the TSC2 protein in which other variant(s) (p.Arg1745Glnfs*27) have been determined to be pathogenic (PMID: 9829910, 10205261, 11112665, 15024740, 15874888, 16114042, 21309039, 21520333; Invitae). This suggests that this is a clinically significant region of the protein, and that variants that disrupt it are likely to be disease-causing. For these reasons, this variant has been classified as Pathogenic.

Literature cited by the submitters: PubMed 9829910; PubMed 10205261; PubMed 11112665; PubMed 15024740; PubMed 15874888; PubMed 16114042; PubMed 21309039; PubMed 21520333.